The following is an entry in ClinVar:

ClinVar aggregate classification (germline): Uncertain significance (1 of 4 stars; one submission).

Submission:

GeneDx
Classification: Uncertain significance. Last evaluated: 2022-06-01. Review status: criteria provided, single submitter. Criteria: GeneDx Variant Classification Process June 2021. Collection method: clinical testing. Allele origin: germline. Affected: yes.
Comment: Not observed at significant frequency in large population cohorts (gnomAD); In silico analysis supports that this missense variant does not alter protein structure/function; Has not been previously published as pathogenic or benign to our knowledge

NM_006996.3(SLC19A2):c.1033G>T (p.Ala345Ser)

Gene: SLC19A2 (solute carrier family 19 member 2; minus strand). Cytogenetic location: 1q24.2.
Variant type: single nucleotide variant.
Coding change: c.1033G>T on transcript NM_006996.3 (MANE Select); coding-DNA position 1033, G replaced by T.
Protein change: p.Ala345Ser; replaces alanine 345 with serine.
Molecular consequence: missense variant.
Genome position (GRCh38, 1-based): chr1:169,468,834, C>A on the plus strand (G>T on the coding strand, the complement: SLC19A2 is on the minus strand). VCF-style: chr1-169468834-C-A. GRCh37 (hg19) VCF-style: chr1-169438072-C-A.
Other names: c.430G>T, p.Ala144Ser (NM_001319667.1); short protein forms A144S, A345S.
Identifiers: ClinVar variation 1802007 (VCV001802007.1), dbSNP rs530380548, ClinGen allele CA343129403.